The following is an entry in ClinVar:

ClinVar aggregate classification (germline): Uncertain significance. Review status: criteria provided, single submitter (1 of 4 stars). 2 submissions from 2 submitters: Uncertain significance (1). 1 of the submissions does not count toward it. Last evaluated 2025-11-19.

Conditions:
ACTB-associated syndromic thrombocytopenia (THC8). Also called: THROMBOCYTOPENIA 8, WITH DYSMORPHIC FEATURES AND DEVELOPMENTAL DELAY; THROMBOCYTOPENIA, AUTOSOMAL DOMINANT, 8. Identifiers: Orphanet 674653, MedGen C5882677, MONDO:0100433, OMIM 620475.
ACTB-related disorder. Also called: ACTB-related disorders; ACTB-related condition.

Submissions (2):

3billion
Classification: Uncertain significance for ACTB-associated syndromic thrombocytopenia. Last evaluated: 2025-11-19. Review status: criteria provided, single submitter. Criteria: ACMG Guidelines, 2015. Collection method: clinical testing. Allele origin: germline. Affected: yes.
Comment: The variant is not observed in the gnomAD v4.1.0 dataset. Predicted Consequence/Location: Missense variant. Missense changes are a common disease-causing mechanism. In silico tool predictions suggest damaging effect of the variant on gene or gene product [REVEL: 0.60 (>=0.6, sensitivity 0.68 and specificity 0.92); 3Cnet: 0.99 (> 0.75, sensitivity 0.96 and precision 0.92)]. The variant has been reported as of uncertain significance (ClinVar ID: VCV003344344). Therefore, this variant is classified as VUS according to the recommendation of ACMG/AMP guideline.

PreventionGenetics, part of Exact Sciences
Classification: Uncertain significance for ACTB-related condition. Last evaluated: 2024-04-23. Review status: no assertion criteria provided. Collection method: clinical testing. Allele origin: germline. Not counted in ClinVar's aggregate classification.
Comment: The ACTB c.132G>A variant is predicted to result in the amino acid substitution p.Met44Ile. To our knowledge, this variant has not been reported in the literature or in a large population database, indicating this variant is rare. At this time, the clinical significance of this variant is uncertain due to the absence of conclusive functional and genetic evidence.

NM_001101.5(ACTB):c.132G>A (p.Met44Ile)

Gene: ACTB (actin beta; minus strand). Cytogenetic location: 7p22.1.
Variant type: single nucleotide variant.
Coding change: c.132G>A on transcript NM_001101.5 (MANE Select); coding-DNA position 132, G replaced by A.
Protein change: p.Met44Ile; replaces methionine 44 with isoleucine.
Molecular consequence: missense variant.
Genome position (GRCh38, 1-based): chr7:5,529,392, C>T on the plus strand (G>A on the coding strand, the complement: ACTB is on the minus strand). VCF-style: chr7-5529392-C-T. GRCh37 (hg19) VCF-style: chr7-5569023-C-T.
Other names: short protein forms M44I.
Identifiers: ClinVar variation 3344344 (VCV003344344.2).